The following is an entry in ClinVar:

NM_001379500.1(COL18A1):c.1877G>A (p.Arg626Gln)

Gene: COL18A1 (collagen type XVIII alpha 1 chain; plus strand). Cytogenetic location: 21q22.3.
Variant type: single nucleotide variant.
Coding change: c.1877G>A on transcript NM_001379500.1 (MANE Select); coding-DNA position 1877, G replaced by A.
Protein change: p.Arg626Gln; replaces arginine 626 with glutamine.
Molecular consequence: missense variant.
Genome position (GRCh38, 1-based): chr21:45,487,490, G>A. VCF-style: chr21-45487490-G-A. GRCh37 (hg19) VCF-style: chr21-46907404-G-A.
Other names: c.2417G>A, p.Arg806Gln (NM_030582.4); c.3122G>A, p.Arg1041Gln (NM_130444.3); c.2417G>A (NM_030582.3); short protein forms R626Q, R806Q, R1041Q.
Identifiers: ClinVar variation 1511469 (VCV001511469.6), dbSNP rs755828011, ClinGen allele CA10066586.

ClinVar aggregate classification (germline): Uncertain significance. Review status: criteria provided, multiple submitters, no conflicts (2 of 4 stars). 2 submissions from 2 submitters: Uncertain significance (2). Last evaluated 2026-07-01.

Conditions:
COL18A1-related disorder. Also called: COL18A1-related condition; COL18A1-related disorders.

Allele frequency attached by ClinVar (database versions not stated): gnomAD 0.00001; ExAC 0.00002; gnomAD exomes 0.00004; TOPMed 0.00004.
gnomAD v4.1: 41 of 1,612,980 alleles (0.0025%); highest among the groups gnomAD compares: Middle Eastern, 0.017%; no homozygotes.

Submissions (2):

PreventionGenetics, part of Exact Sciences
Classification: Uncertain significance for COL18A1-related condition. Last evaluated: 2026-07-01. Review status: criteria provided, single submitter. Criteria: ACMG Guidelines, 2015. Collection method: clinical testing. Allele origin: germline.
Comment: The COL18A1 c.2417G>A variant is predicted to result in the amino acid substitution p.Arg806Gln. To our knowledge, this variant has not been reported in the literature. This variant is reported in 0.017% of alleles in individuals of East Asian descent in gnomAD. At this time, the clinical significance of this variant is uncertain due to the absence of conclusive functional and genetic evidence.

Labcorp Genetics (formerly Invitae), Labcorp
Classification: Uncertain significance. Last evaluated: 2026-01-11. Review status: criteria provided, single submitter. Criteria: Invitae Variant Classification Sherloc (09022015). Collection method: clinical testing. Allele origin: germline.
Comment: This sequence change replaces arginine, which is basic and polar, with glutamine, which is neutral and polar, at codon 626 of the COL18A1 protein (p.Arg626Gln). This variant is present in population databases (rs755828011, gnomAD 0.02%). This variant has not been reported in the literature in individuals affected with COL18A1-related conditions. ClinVar contains an entry for this variant (Variation ID: 1511469). Experimental studies and prediction algorithms are not available or were not evaluated, and the functional significance of this variant is currently unknown. In summary, the available evidence is currently insufficient to determine the role of this variant in disease. Therefore, it has been classified as a Variant of Uncertain Significance.